The following is an entry in ClinVar:

ClinVar aggregate classification (germline): Likely benign. Review status: criteria provided, multiple submitters, no conflicts (2 of 4 stars). 2 submissions from 2 submitters: Likely benign (2). Last evaluated 2021-12-23.

Conditions:
POLD1-related polyposis and colorectal cancer syndrome (CRCS10). Also called: Colorectal cancer, susceptibility to, 10; Colorectal cancer 10; COLORECTAL CANCER, SUSCEPTIBILITY TO, ON CHROMOSOME 19q. Identifiers: Orphanet 220460, MedGen C2675481, MONDO:0012953, OMIM 612591.

Submissions (2):

Labcorp Genetics (formerly Invitae), Labcorp
Classification: Likely benign for POLD1-related polyposis and colorectal cancer syndrome. Last evaluated: 2021-12-23. Review status: criteria provided, single submitter. Criteria: Invitae Variant Classification Sherloc (09022015). Collection method: clinical testing. Allele origin: germline.

GeneDx
Classification: Likely benign. Last evaluated: 2015-12-23. Review status: criteria provided, single submitter. Criteria: GeneDx Variant Classification (06012015). Collection method: clinical testing. Allele origin: germline. Affected: yes.
Comment: This variant is considered likely benign or benign based on one or more of the following criteria: it is a conservative change, it occurs at a poorly conserved position in the protein, it is predicted to be benign by multiple in silico algorithms, and/or has population frequency not consistent with disease.

NM_002691.4(POLD1):c.387G>C (p.Gly129=)

Gene: POLD1 (DNA polymerase delta 1, catalytic subunit; plus strand). Cytogenetic location: 19q13.33.
Variant type: single nucleotide variant.
Coding change: c.387G>C on transcript NM_002691.4 (MANE Select); coding-DNA position 387, G replaced by C.
Protein change: p.Gly129=; no amino-acid change (glycine 129 retained).
Molecular consequence: synonymous variant. On other transcripts: non-coding transcript variant (1).
Genome position (GRCh38, 1-based): chr19:50,401,848, G>C. VCF-style: chr19-50401848-G-C. GRCh37 (hg19) VCF-style: chr19-50905105-G-C.
Other names: c.387G>C, p.Gly129= (NM_001256849.1, NM_001308632.1).
Identifiers: ClinVar variation 382527 (VCV000382527.5), dbSNP rs1057521376, ClinGen allele CA16608249.